The following is an entry in ClinVar:

ClinVar aggregate classification (germline): Uncertain significance. Review status: criteria provided, single submitter (1 of 4 stars). 2 submissions from 2 submitters: Uncertain significance (1). 1 of the submissions does not count toward it. Last evaluated 2021-09-17.

Conditions:
CCT4-related disorder. Also called: CCT4-related condition.

Allele frequency attached by ClinVar (database versions not stated): gnomAD 0.00064; ExAC 0.00071; ESP Exome Variant Server 0.00077; TOPMed 0.00079; gnomAD exomes 0.00083.
gnomAD v4.1: 1,359 of 1,613,854 alleles (0.084%); highest among the groups gnomAD compares: Middle Eastern, 1.6%; 2 homozygotes.

Submissions (2):

Ambry Genetics
Classification: Uncertain significance. Last evaluated: 2021-09-17. Review status: criteria provided, single submitter. Criteria: Ambry Variant Classification Scheme 2023. Collection method: clinical testing. Allele origin: germline.

PreventionGenetics, part of Exact Sciences
Classification: Likely benign for CCT4-related condition. Last evaluated: 2021-02-03. Review status: no assertion criteria provided. Collection method: clinical testing. Allele origin: germline. Not counted in ClinVar's aggregate classification.
Comment: This variant is classified as likely benign based on ACMG/AMP sequence variant interpretation guidelines (Richards et al. 2015 PMID: 25741868, with internal and published modifications).

NM_006430.4(CCT4):c.1448G>A (p.Arg483Gln)

Gene: CCT4 (chaperonin containing TCP1 subunit 4; minus strand). Cytogenetic location: 2p15.
Variant type: single nucleotide variant.
Coding change: c.1448G>A on transcript NM_006430.4 (MANE Select); coding-DNA position 1448, G replaced by A.
Protein change: p.Arg483Gln; replaces arginine 483 with glutamine.
Molecular consequence: missense variant.
Genome position (GRCh38, 1-based): chr2:61,872,125, C>T on the plus strand (G>A on the coding strand, the complement: CCT4 is on the minus strand). VCF-style: chr2-61872125-C-T. GRCh37 (hg19) VCF-style: chr2-62099260-C-T.
Other names: c.1358G>A, p.Arg453Gln (NM_001256721.1); c.1448G>A (NM_006430.3); short protein forms R453Q, R483Q.
Identifiers: ClinVar variation 2393526 (VCV002393526.4), dbSNP rs146765948, ClinGen allele CA1679560.
Genomic context (GRCh38, chr2:61,872,125, plus strand): 5'-AGAGATTAAATGATTACCTTTCGGACATTAATGCCTGCAGTTTTTTCTCCCTGGGCATGC[C>T]GGTTTCTTAGTTCTGTTACTGTAGAAATGGGATTCAGGCCGGCATTTTCAGCTAGTGTAG-3'
Protein context (NP_006421.2, residues 473-493): PISTVTELRN[Arg483Gln]HAQGEKTAGI